The following is an entry in ClinVar:

ClinVar aggregate classification (germline): Uncertain significance (1 of 4 stars; one submission).

Conditions:
Combined oxidative phosphorylation defect type 17. Also called: Combined oxidative phosphorylation deficiency 17. Identifiers: Orphanet 369913, MedGen C3809526, MONDO:0014190, OMIM 615440.

Allele frequency attached by ClinVar (database versions not stated): gnomAD exomes below 0.00001; TOPMed below 0.00001; ExAC 0.00001.
gnomAD v4.1: 1 of 1,614,098 alleles (0.000062%); highest among the groups gnomAD compares: South Asian, 0.0011%; no homozygotes.

Submission:

Labcorp Genetics (formerly Invitae), Labcorp
Classification: Uncertain significance for Combined oxidative phosphorylation defect type 17. Last evaluated: 2022-01-06. Review status: criteria provided, single submitter. Criteria: Invitae Variant Classification Sherloc (09022015). Collection method: clinical testing. Allele origin: germline.
Comment: This sequence change replaces alanine, which is neutral and non-polar, with valine, which is neutral and non-polar, at codon 450 of the ELAC2 protein (p.Ala450Val). This variant is present in population databases (rs759926685, gnomAD 0.003%). This variant has not been reported in the literature in individuals affected with ELAC2-related conditions. Algorithms developed to predict the effect of missense changes on protein structure and function are either unavailable or do not agree on the potential impact of this missense change (SIFT: "Tolerated"; PolyPhen-2: "Probably Damaging"; Align-GVGD: "Class C0"). Algorithms developed to predict the effect of sequence changes on RNA splicing suggest that this variant may create or strengthen a splice site. In summary, the available evidence is currently insufficient to determine the role of this variant in disease. Therefore, it has been classified as a Variant of Uncertain Significance.

NM_018127.7(ELAC2):c.1349C>T (p.Ala450Val)

Gene: ELAC2 (elaC ribonuclease Z 2; minus strand). Cytogenetic location: 17p12.
Variant type: single nucleotide variant.
Coding change: c.1349C>T on transcript NM_018127.7 (MANE Select); coding-DNA position 1349, C replaced by T.
Protein change: p.Ala450Val; replaces alanine 450 with valine.
Molecular consequence: missense variant.
Genome position (GRCh38, 1-based): chr17:13,000,230, G>A on the plus strand (C>T on the coding strand, the complement: ELAC2 is on the minus strand). VCF-style: chr17-13000230-G-A. GRCh37 (hg19) VCF-style: chr17-12903547-G-A.
Other names: c.1229C>T, p.Ala410Val (NM_001165962.2); c.1346C>T, p.Ala449Val (NM_173717.2); short protein forms A449V, A450V, A410V.
Identifiers: ClinVar variation 1926452 (VCV001926452.2), dbSNP rs759926685, ClinGen allele CA8401239.